The following continues an entry in ClinVar:

NM_014714.4(IFT140):c.2399+1G>T

ClinVar aggregate classification (germline): Pathogenic. Pathogenic (16).

Submissions 11 to 19 of 19:

Molecular Genetics, Royal Melbourne Hospital
Classification: Pathogenic for Autosomal dominant polycystic kidney disease. Last evaluated: 2024-01-05. Review status: criteria provided, single submitter. Criteria: ACMG Guidelines, 2015. Collection method: clinical testing. Allele origin: germline. Inheritance: Autosomal dominant inheritance. Affected: yes.
Comment: This sequence change in IFT140 occurs within the canonical splice donor site of intron 19. It is predicted to cause native donor site loss and cryptic donor creation leading to a one bp deletion resulting in a frameshift (exon 19/31) leading to nonsense-mediated decay in a gene in which loss-of-function is an established disease mechanism (PMID: 22282595, 34890546). The highest population minor allele frequency in the population database gnomAD v4.0 is 0.04% (463/1,179,776 alleles) in the European (non-Finnish) population. This variant has been reported as a common cause of IFT140-related polycystic kidney disease (PKD) with a distinctive monoallelic phenotype of mild PKD with large cysts, limited kidney insufficiency, and few liver cysts (PMID: 34890546). The variant has been reported to segregate with PKD in multiple families (PMID: 34890546). This variant has been detected as compound heterozygous with a second pathogenic variant in at least two individuals with a ciliopathy phenotype (PMID: 22503633). Based on the classification scheme RMH Modified ACMG/AMP Guidelines v1.6.1, this variant is classified as PATHOGENIC. Following criteria are met: PVS1, PP1_Strong, PM3.

Institute of Human Genetics, University of Leipzig Medical Center
Classification: Pathogenic for Polycystic kidney disease. Last evaluated: 2023-02-28. Review status: criteria provided, single submitter. Criteria: ACMG Guidelines, 2015. Collection method: clinical testing. Allele origin: unknown. Inheritance: Autosomal dominant inheritance. Affected: yes.
Comment: Criteria applied: PVS1,PS4_MOD

Institute of Human Genetics, Univ. Regensburg, Univ. Regensburg
Classification: Pathogenic for Retinal dystrophy. Last evaluated: 2022-01-01. Review status: criteria provided, single submitter. Criteria: ACMG Guidelines, 2015. Collection method: clinical testing. Allele origin: germline. Affected: yes.

MGZ Medical Genetics Center
Classification: Pathogenic for Retinitis pigmentosa 80. Last evaluated: 2021-11-11. Review status: criteria provided, single submitter. Criteria: ACMG Guidelines, 2015. Collection method: clinical testing. Allele origin: germline. Affected: yes. Observed: 3 variant alleles.
Comment: ACMG criteria applied: PVS1, PM2_SUP, PP1

GeneDx
Classification: Pathogenic. Last evaluated: 2021-10-29. Review status: criteria provided, single submitter. Criteria: GeneDx Variant Classification Process June 2021. Collection method: clinical testing. Allele origin: germline. Affected: yes.
Comment: Canonical splice site variant in a gene for which loss-of-function is a known mechanism of disease; Observed with a second variant on the opposite allele (in trans) in patients with Mainzer-Saldino syndrome or isolated retinal dystrophy in the published literature (Schmidts et al., 2013; Hull et al., 2016); This variant is associated with the following publications: (PMID: 31397098, 26968735, 28724397, 22503633, 29688594, 31980526, 31589614, 32037395, 23418020)

Genetic Services Laboratory, University of Chicago
Classification: Pathogenic. Last evaluated: 2021-06-15. Review status: criteria provided, single submitter. Criteria: ACMG Guidelines, 2015. Collection method: clinical testing. Allele origin: germline. Affected: yes.
Comment: DNA sequence analysis of the IFT140 gene demonstrated a sequence change in the canonical splice donor site of intron 19, c.2399+1G>T. This sequence change is predicted to affect mRNA splicing and is likely to result in an absent or truncated protein. It has been described in the gnomAD database in the non-Finnish European subpopulation with a low frequency of 0.012% only (dbSNP rs376586707). This sequence change has been previously described in the compound heterozygous state in family and individuals with IFT140-related disorders (PMIDs: 22503633, 26968735, 23418020). Collectively, this evidence indicates that the c.2399+1G>T change is pathogenic.

OMIM
Classification: Pathogenic for SHORT-RIB THORACIC DYSPLASIA 9 WITHOUT POLYDACTYLY. Last evaluated: 2013-05-01. Review status: no assertion criteria provided. Collection method: literature only. Allele origin: germline. Not counted in ClinVar's aggregate classification.

OMIM
Classification: Pathogenic for RETINITIS PIGMENTOSA 80. Last evaluated: 2013-05-01. Review status: no assertion criteria provided. Collection method: literature only. Allele origin: germline. Not counted in ClinVar's aggregate classification.

OMIM
Classification: risk factor for POLYCYSTIC KIDNEY DISEASE 9, SUSCEPTIBILITY TO. Last evaluated: 2013-05-01. Review status: no assertion criteria provided. Collection method: literature only. Allele origin: germline. Not counted in ClinVar's aggregate classification.

Literature cited by the submitters: PubMed 34890546 (cited by 6 submitters); PubMed 22503633 (cited by 6 submitters); PubMed 39136524 (cited by Ambry Genetics); PubMed 23418020 (cited by 3 submitters); PubMed 26968735 (cited by 4 submitters); PubMed 16199547 (cited by Labcorp Genetics (formerly Invitae), Labcorp); PubMed 24009529 (cited by Labcorp Genetics (formerly Invitae), Labcorp); PubMed 26216056 (cited by Labcorp Genetics (formerly Invitae), Labcorp); PubMed 22282595 (cited by Molecular Genetics, Royal Melbourne Hospital); PubMed 31589614 (cited by Institute of Human Genetics, Univ. Regensburg, Univ. Regensburg); PubMed 31964843 (cited by Institute of Human Genetics, Univ. Regensburg, Univ. Regensburg); PubMed 31980526 (cited by Institute of Human Genetics, Univ. Regensburg, Univ. Regensburg); PubMed 32037395 (cited by Institute of Human Genetics, Univ. Regensburg, Univ. Regensburg); PubMed 35649421 (cited by Institute of Human Genetics, Univ. Regensburg, Univ. Regensburg).